The following is an entry in ClinVar:

ClinVar aggregate classification (germline): Uncertain significance. Review status: criteria provided, multiple submitters, no conflicts (2 of 4 stars). 3 submissions from 3 submitters: Uncertain significance (3). Last evaluated 2025-12-08.

Conditions:
Cardiovascular phenotype. Identifiers: MedGen CN230736.
Hereditary cancer-predisposing syndrome. Also called: Tumor predisposition; Hereditary Cancer Syndrome; Neoplastic Syndromes, Hereditary; Hereditary neoplastic syndrome. Identifiers: Orphanet 140162, MedGen C0027672, MeSH D009386, MONDO:0015356.

Submissions (3):

Labcorp Genetics (formerly Invitae), Labcorp
Classification: Uncertain significance. Last evaluated: 2025-12-08. Review status: criteria provided, single submitter. Criteria: Invitae Variant Classification Sherloc (09022015). Collection method: clinical testing. Allele origin: germline.
Comment: This sequence change replaces methionine, which is neutral and non-polar, with isoleucine, which is neutral and non-polar, at codon 91 of the LZTR1 protein (p.Met91Ile). This variant is not present in population databases (gnomAD no frequency). This variant has not been reported in the literature in individuals affected with LZTR1-related conditions. ClinVar contains an entry for this variant (Variation ID: 1795423). Invitae Evidence Modeling of protein sequence and biophysical properties (such as structural, functional, and spatial information, amino acid conservation, physicochemical variation, residue mobility, and thermodynamic stability) indicates that this missense variant is not expected to disrupt LZTR1 protein function with a negative predictive value of 80%. In summary, the available evidence is currently insufficient to determine the role of this variant in disease. Therefore, it has been classified as a Variant of Uncertain Significance.

GeneDx
Classification: Uncertain significance. Last evaluated: 2024-06-12. Review status: criteria provided, single submitter. Criteria: GeneDx Variant Classification Process June 2021. Collection method: clinical testing. Allele origin: germline. Affected: yes.
Comment: Not observed at significant frequency in large population cohorts (gnomAD); In silico analysis supports that this missense variant has a deleterious effect on protein structure/function; Has not been previously published as pathogenic or benign to our knowledge

Ambry Genetics
Classification: Uncertain significance for Cardiovascular phenotype; Hereditary cancer-predisposing syndrome. Last evaluated: 2021-06-24. Review status: criteria provided, single submitter. Criteria: Ambry Variant Classification Scheme 2023. Collection method: clinical testing. Allele origin: germline.
Comment: The p.M91I variant (also known as c.273G>C), located in coding exon 3 of the LZTR1 gene, results from a G to C substitution at nucleotide position 273. The methionine at codon 91 is replaced by isoleucine, an amino acid with highly similar properties. This amino acid position is highly conserved in available vertebrate species. In addition, the in silico prediction for this alteration is inconclusive. Since supporting evidence is limited at this time, the clinical significance of this alteration remains unclear.

NM_006767.4(LZTR1):c.273G>C (p.Met91Ile)

Gene: LZTR1 (leucine zipper like post translational regulator 1; plus strand). Cytogenetic location: 22q11.21.
Variant type: single nucleotide variant.
Coding change: c.273G>C on transcript NM_006767.4 (MANE Select); coding-DNA position 273, G replaced by C.
Protein change: p.Met91Ile; replaces methionine 91 with isoleucine.
Molecular consequence: missense variant.
Genome position (GRCh38, 1-based): chr22:20,985,850, G>C. VCF-style: chr22-20985850-G-C. GRCh37 (hg19) VCF-style: chr22-21340139-G-C.
Other names: short protein forms M91I.
Identifiers: ClinVar variation 1795423 (VCV001795423.4), dbSNP rs1924362561, ClinGen allele CA410778799.